The following is an entry in ClinVar:

ClinVar aggregate classification (germline): Pathogenic/Likely pathogenic. Review status: criteria provided, multiple submitters, no conflicts (2 of 4 stars). 2 submissions from 2 submitters: Pathogenic (1); Likely pathogenic (1). Last evaluated 2025-11-20.

Conditions:
Autosomal recessive nonsyndromic hearing loss 8 (DFNB8). Also called: NEUROSENSORY NONSYNDROMIC RECESSIVE DEAFNESS 8; Deafness, autosomal recessive 10. Identifiers: Orphanet 90636, MedGen C1832827, MONDO:0010987, OMIM 601072.

gnomAD v4.1: 15 of 1,614,044 alleles (0.00093%); highest among the groups gnomAD compares: Admixed American, 0.0017%; no homozygotes.

Submissions (2):

Variantyx, Inc.
Classification: Likely pathogenic for Autosomal recessive nonsyndromic hearing loss 8. Last evaluated: 2025-11-20. Review status: criteria provided, single submitter. Criteria: Variantyx Assertion Criteria 2022. Collection method: clinical testing. Allele origin: germline. Inheritance: Autosomal recessive inheritance. Affected: no.
Comment: This is a nonsense variant in the TMPRSS3 gene (OMIM: 605511). Pathogenic variants in this gene have been associated with autosomal recessive deafness 8/10. The alteration introduces a premature termination codon in exon 10 out of 13 and is expected to result in loss of function, which is a known disease mechanism for TMPRSS3 in this disorder (PMID: 16021470, 26969326) (PVS1). This variant has a 0.0017% maximum allele frequency in non-founder control populations (PM2). Based on the current evidence, this variant is classified as likely pathogenic for autosomal recessive deafness 8/10.

Labcorp Genetics (formerly Invitae), Labcorp
Classification: Pathogenic. Last evaluated: 2024-01-17. Review status: criteria provided, single submitter. Criteria: Invitae Variant Classification Sherloc (09022015). Collection method: clinical testing. Allele origin: germline.
Comment: This sequence change creates a premature translational stop signal (p.Trp343*) in the TMPRSS3 gene. It is expected to result in an absent or disrupted protein product. Loss-of-function variants in TMPRSS3 are known to be pathogenic (PMID: 16021470, 26969326). This variant is not present in population databases (gnomAD no frequency). This variant has not been reported in the literature in individuals affected with TMPRSS3-related conditions. Algorithms developed to predict the effect of sequence changes on RNA splicing suggest that this variant may disrupt the consensus splice site. For these reasons, this variant has been classified as Pathogenic.

Literature cited by the submitters: PubMed 16021470 (cited by Variantyx, Inc. and Labcorp Genetics (formerly Invitae), Labcorp); PubMed 26969326 (cited by Variantyx, Inc. and Labcorp Genetics (formerly Invitae), Labcorp).

NM_001256317.3(TMPRSS3):c.1028G>A (p.Trp343Ter)

Gene: TMPRSS3 (transmembrane serine protease 3; minus strand). Cytogenetic location: 21q22.3.
Variant type: single nucleotide variant.
Coding change: c.1028G>A on transcript NM_001256317.3 (MANE Select); coding-DNA position 1028, G replaced by A.
Protein change: p.Trp343Ter; replaces tryptophan 343 with a stop codon.
Molecular consequence: nonsense.
Genome position (GRCh38, 1-based): chr21:42,380,137, C>T on the plus strand (G>A on the coding strand, the complement: TMPRSS3 is on the minus strand). VCF-style: chr21-42380137-C-T. GRCh37 (hg19) VCF-style: chr21-43800246-C-T.
Other names: c.1028G>A, p.Trp343Ter (NM_024022.4); c.647G>A, p.Trp216Ter (NM_032404.3); short protein forms W343*, W216*.
Identifiers: ClinVar variation 2966618 (VCV002966618.4), dbSNP rs540715620, ClinGen allele CA410370738.